The following is an entry in ClinVar:

NM_001844.5(COL2A1):c.1527+1G>A

Gene: COL2A1 (collagen type II alpha 1 chain; minus strand). Cytogenetic location: 12q13.11.
Variant type: single nucleotide variant.
Coding change: c.1527+1G>A on transcript NM_001844.5 (MANE Select); the canonical splice donor site of the intron after coding-DNA position 1527, G replaced by A.
Molecular consequence: splice donor variant.
Genome position (GRCh38, 1-based): chr12:47,986,335, C>T on the plus strand (G>A on the coding strand, the complement: COL2A1 is on the minus strand). VCF-style: chr12-47986335-C-T. GRCh37 (hg19) VCF-style: chr12-48380118-C-T.
Other names: c.1320+1G>A (NM_033150.3).
Identifiers: ClinVar variation 1805627 (VCV001805627.3), dbSNP rs2540148810, ClinGen allele CA384552350.

ClinVar aggregate classification (germline): Likely pathogenic. Review status: criteria provided, multiple submitters, no conflicts (2 of 4 stars). 2 submissions from 2 submitters: Likely pathogenic (2). Last evaluated 2024-06-29.

Conditions:
Stickler syndrome, type I, nonsyndromic ocular. Also called: STICKLER SYNDROME, ATYPICAL; STICKLER SYNDROME, TYPE I, PREDOMINANTLY OCULAR. Identifiers: MedGen C1836080, MONDO:0012287, OMIM 609508.

Submissions (2):

Labcorp Genetics (formerly Invitae), Labcorp
Classification: Likely pathogenic. Last evaluated: 2024-06-29. Review status: criteria provided, single submitter. Criteria: Invitae Variant Classification Sherloc (09022015). Collection method: clinical testing. Allele origin: germline.
Comment: This sequence change affects a donor splice site in intron 23 of the COL2A1 gene. It is expected to disrupt RNA splicing. Variants that disrupt the donor or acceptor splice site typically lead to a loss of protein function (PMID: 16199547), and loss-of-function variants in COL2A1 are known to be pathogenic (PMID: 20179744). This variant is not present in population databases (gnomAD no frequency). Disruption of this splice site has been observed in individual(s) with Stickler syndrome (PMID: 26443184). ClinVar contains an entry for this variant (Variation ID: 1805627). Algorithms developed to predict the effect of sequence changes on RNA splicing suggest that this variant may disrupt the consensus splice site. In summary, the currently available evidence indicates that the variant is pathogenic, but additional data are needed to prove that conclusively. Therefore, this variant has been classified as Likely Pathogenic.

Victorian Clinical Genetics Services, Murdoch Childrens Research Institute
Classification: Likely pathogenic for Stickler syndrome, type I, nonsyndromic ocular. Last evaluated: 2020-06-11. Review status: criteria provided, single submitter. Criteria: ACMG Guidelines, 2015. Collection method: clinical testing. Allele origin: germline. Inheritance: Autosomal dominant inheritance. Affected: yes.
Comment: Based on the classification scheme VCGS_Germline_v1.1.1, this variant is classified as Likely pathogenic. Following criteria are met: 0102 - Loss-of-function is a known mechanism of disease for this gene. Premature termination codon variants result in haploinsufficiency and have previously been reported pathogenic in Stickler Syndrome (PMID: 20179744; ClinVar). (N) 0104 - Dominant Negative is a mechanism of disease for this gene. Missense variants affecting glycine residues within the repeat region result in aberrant disulphide bond formation and a dominant negative effect. (PMID: 15895462). (N) 0107 - This gene is known to be associated with autosomal dominant disease. (N) 0211 - Canonical splice site variant without proven consequence on splicing (no functional evidence available). (P) 0251 - Variant is heterozygous. (N) 0301 - Variant is absent from gnomAD. (P) 0508 - In silico predictions for abnormal splicing are conflicting. (N) 0702 - Comparable variants have strong previous evidence for pathogenicity. Other variants in the same splice region (c.1527+1G>T and c.1527+4A>T) have been reported in patients with Stickler syndrome (PMID: 27408751, 26443184). (P) 0807 - Variant has not previously been reported in a clinical context. (N) 0905 - No segregation evidence has been identified for this variant. (N) 1007 - No published functional evidence has been identified for this variant. (N) 1208 - Inheritance information for this variant is not currently available. (N) Legend: (P) - Pathogenic, (N) - Neutral, (B) - Benign

Literature cited by the submitters: PubMed 16199547 (cited by Labcorp Genetics (formerly Invitae), Labcorp); PubMed 20179744 (cited by Labcorp Genetics (formerly Invitae), Labcorp and Victorian Clinical Genetics Services, Murdoch Childrens Research Institute); PubMed 26443184 (cited by Labcorp Genetics (formerly Invitae), Labcorp and Victorian Clinical Genetics Services, Murdoch Childrens Research Institute); PubMed 15895462 (cited by Victorian Clinical Genetics Services, Murdoch Childrens Research Institute); PubMed 27408751 (cited by Victorian Clinical Genetics Services, Murdoch Childrens Research Institute).